The following is an entry in ClinVar:

ClinVar aggregate classification (germline): Uncertain significance (1 of 4 stars; one submission).

Submission:

Labcorp Genetics (formerly Invitae), Labcorp
Classification: Uncertain significance. Last evaluated: 2023-11-11. Review status: criteria provided, single submitter. Criteria: Invitae Variant Classification Sherloc (09022015). Collection method: clinical testing. Allele origin: germline.
Comment: This sequence change replaces asparagine, which is neutral and polar, with aspartic acid, which is acidic and polar, at codon 664 of the NEXMIF protein (p.Asn664Asp). This variant is not present in population databases (gnomAD no frequency). This variant has not been reported in the literature in individuals affected with NEXMIF-related conditions. An algorithm developed to predict the effect of missense changes on protein structure and function (PolyPhen-2) suggests that this variant is likely to be tolerated. In summary, the available evidence is currently insufficient to determine the role of this variant in disease. Therefore, it has been classified as a Variant of Uncertain Significance.

NM_001008537.3(NEXMIF):c.1990A>G (p.Asn664Asp)

Gene: NEXMIF (neurite extension and migration factor; minus strand). Cytogenetic location: Xq13.3.
Variant type: single nucleotide variant.
Coding change: c.1990A>G on transcript NM_001008537.3 (MANE Select); coding-DNA position 1990, A replaced by G.
Protein change: p.Asn664Asp; replaces asparagine 664 with aspartic acid.
Molecular consequence: missense variant.
Genome position (GRCh38, 1-based): chrX:74,742,567, T>C on the plus strand (A>G on the coding strand, the complement: NEXMIF is on the minus strand). VCF-style: chrX-74742567-T-C. GRCh37 (hg19) VCF-style: chrX-73962402-T-C.
Other names: short protein forms N664D.
Identifiers: ClinVar variation 2794283 (VCV002794283.3), dbSNP rs2519914664, ClinGen allele CA413669231.